The following is an entry in ClinVar:

NM_001267550.2(TTN):c.101804T>C (p.Ile33935Thr)

Genes: TTN-AS1 (TTN antisense RNA 1; plus strand), TTN (titin; minus strand). Cytogenetic location: 2q31.2.
Variant type: single nucleotide variant.
Coding change: c.101804T>C on transcript NM_001267550.2 (MANE Select); coding-DNA position 101804, T replaced by C.
Protein change: p.Ile33935Thr; replaces isoleucine 33935 with threonine.
Molecular consequence: missense variant.
Genome position (GRCh38, 1-based): chr2:178,534,811, A>G on the plus strand (T>C on the coding strand, the complement: TTN is on the minus strand). VCF-style: chr2-178534811-A-G. GRCh37 (hg19) VCF-style: chr2-179399538-A-G.
Other names: c.96881T>C, p.Ile32294Thr (NM_001256850.1); c.74609T>C, p.Ile24870Thr (NM_003319.4); c.94100T>C, p.Ile31367Thr (NM_133378.4); c.74984T>C, p.Ile24995Thr (NM_133432.3); c.75185T>C, p.Ile25062Thr (NM_133437.4); short protein forms I31367T, I33935T, I24995T, I24870T, I25062T, I32294T.
Identifiers: ClinVar variation 1970298 (VCV001970298.4), dbSNP rs778304667, ClinGen allele CA1985839.

ClinVar aggregate classification (germline): Uncertain significance (1 of 4 stars; one submission).

Conditions:
Dilated cardiomyopathy 1G (CMD1G). Identifiers: Orphanet 154, MedGen C1858763, MONDO:0011400, OMIM 604145.
Autosomal recessive limb-girdle muscular dystrophy type 2J (LGMDR10). Also called: Limb-girdle muscular dystrophy, type 2J; MUSCULAR DYSTROPHY, LIMB-GIRDLE, AUTOSOMAL RECESSIVE 10. Identifiers: Orphanet 140922, MedGen C1837342, MONDO:0012127, OMIM 608807.

Allele frequency attached by ClinVar (database versions not stated): gnomAD exomes below 0.00001; TOPMed below 0.00001; ExAC 0.00001.
gnomAD v4.1: 2 of 1,611,362 alleles (0.00012%); highest among the groups gnomAD compares: Non-Finnish European, 0.00017%; no homozygotes.

Submission:

Labcorp Genetics (formerly Invitae), Labcorp
Classification: Uncertain significance for Dilated cardiomyopathy 1G; Autosomal recessive limb-girdle muscular dystrophy type 2J. Last evaluated: 2023-08-20. Review status: criteria provided, single submitter. Criteria: Invitae Variant Classification Sherloc (09022015). Collection method: clinical testing. Allele origin: germline.
Comment: This variant has not been reported in the literature in individuals affected with TTN-related conditions. In summary, the available evidence is currently insufficient to determine the role of this variant in disease. Therefore, it has been classified as a Variant of Uncertain Significance. This variant is located in the M band of TTN (PMID: 25589632). Variants in this region may be relevant for neuromuscular disorders, but have not been definitively shown to cause cardiomyopathy (PMID: 23975875). Experimental studies and prediction algorithms are not available or were not evaluated, and the functional significance of this variant is currently unknown. ClinVar contains an entry for this variant (Variation ID: 1970298). This variant is present in population databases (rs778304667, gnomAD 0.0009%). This sequence change replaces isoleucine, which is neutral and non-polar, with threonine, which is neutral and polar, at codon 33935 of the TTN protein (p.Ile33935Thr).

Literature cited by the submitters: PubMed 25589632; PubMed 23975875.